The following is an entry in ClinVar:

NM_001385.3(DPYS):c.31G>T (p.Gly11Trp)

Gene: DPYS (dihydropyrimidinase; minus strand). Cytogenetic location: 8q22.3.
Variant type: single nucleotide variant.
Coding change: c.31G>T on transcript NM_001385.3 (MANE Select); coding-DNA position 31, G replaced by T.
Protein change: p.Gly11Trp; replaces glycine 11 with tryptophan.
Molecular consequence: missense variant.
Genome position (GRCh38, 1-based): chr8:104,466,890, C>A on the plus strand (G>T on the coding strand, the complement: DPYS is on the minus strand). VCF-style: chr8-104466890-C-A. GRCh37 (hg19) VCF-style: chr8-105479118-C-A.
Other names: short protein forms G11W.
Identifiers: ClinVar variation 2230163 (VCV002230163.2), dbSNP rs546133393, ClinGen allele CA4838641.
Genomic context (GRCh38, chr8:104,466,890, plus strand): 5'-CGCCGTCCTCCACCAGCACGTCGGCCACCTCCGAGAAGTCATCGTTGACCACGCGACCCC[C>A]GCGGATCAGGAGCCGCGAGGGCGCCGCCATAGCGAGGGGCGCGCGGGGTCCTACTCGGCC-3'
Protein context (NP_001376.1, residues 1-21): MAAPSRLLIR[Gly11Trp]GRVVNDDFSE

ClinVar aggregate classification (germline): Uncertain significance (1 of 4 stars; one submission).

Conditions:
Inborn genetic diseases. Identifiers: MedGen C0950123, MeSH D030342.

Allele frequency attached by ClinVar (database versions not stated): gnomAD 0.00001; TOPMed 0.00001; ExAC 0.00009; 1000 Genomes Project 30x 0.00016; 1000 Genomes Project 0.00020.
gnomAD v4.1: 4 of 1,512,924 alleles (0.00026%); highest among the groups gnomAD compares: South Asian, 0.0025%; no homozygotes.

Submission:

Ambry Genetics
Classification: Uncertain significance for Inborn genetic diseases. Last evaluated: 2021-04-21. Review status: criteria provided, single submitter. Criteria: Ambry Variant Classification Scheme 2023. Collection method: clinical testing. Allele origin: germline.
Comment: The c.31G>T (p.G11W) alteration is located in exon 1 (coding exon 1) of the DPYS gene. This alteration results from a G to T substitution at nucleotide position 31, causing the glycine (G) at amino acid position 11 to be replaced by a tryptophan (W). The p.G11W alteration is predicted to be deleterious by in silico analysis. Based on insufficient or conflicting evidence, the clinical significance of this alteration remains unclear.